The following is an entry in ClinVar:

ClinVar aggregate classification (germline): Uncertain significance (1 of 4 stars; one submission).

gnomAD v4.1: 1 of 1,597,974 alleles (0.000063%); highest among the groups gnomAD compares: Non-Finnish European, 0.000086%; no homozygotes.

Submission:

GeneDx
Classification: Uncertain significance. Last evaluated: 2026-02-02. Review status: criteria provided, single submitter. Criteria: GeneDx Variant Classification Process June 2021. Collection method: clinical testing. Allele origin: germline.
Comment: Not observed at significant frequency in large population cohorts (gnomAD); In silico analysis supports that this missense variant has a deleterious effect on protein structure/function; Has not been previously published as pathogenic or benign to our knowledge

NM_006136.3(CAPZA2):c.191C>T (p.Pro64Leu)

Gene: CAPZA2 (capping actin protein of muscle Z-line subunit alpha 2; plus strand). Cytogenetic location: 7q31.2.
Variant type: single nucleotide variant.
Coding change: c.191C>T on transcript NM_006136.3 (MANE Select); coding-DNA position 191, C replaced by T.
Protein change: p.Pro64Leu; replaces proline 64 with leucine.
Molecular consequence: missense variant.
Genome position (GRCh38, 1-based): chr7:116,898,807, C>T. VCF-style: chr7-116898807-C-T. GRCh37 (hg19) VCF-style: chr7-116538861-C-T.
Other names: short protein forms P64L.
Identifiers: ClinVar variation 4891482 (VCV004891482.1).